The following is an entry in ClinVar:

ClinVar aggregate classification (germline): Benign/Likely benign. Review status: criteria provided, multiple submitters, no conflicts (2 of 4 stars). 3 submissions from 3 submitters: Benign (1); Likely benign (1). 1 of the submissions does not count toward it. Last evaluated 2026-01-26.

Conditions:
STIM1-related disorder. Also called: STIM1-related condition.
Combined immunodeficiency due to STIM1 deficiency. Also called: STIM1 DEFICIENCY; IMMUNODEFICIENCY 10. Identifiers: Orphanet 169090, Orphanet 317430, MedGen C2748557, MONDO:0013008, OMIM 612783.
Myopathy with tubular aggregates (TAM). Also called: Tubular Aggregate Myopathy. Identifiers: Orphanet 2593, MedGen C0410207, MONDO:0008051.
Stormorken syndrome (STRMK). Also called: THROMBOCYTOPATHY, ASPLENIA, AND MIOSIS. Identifiers: Orphanet 3204, MedGen C1861451, MONDO:0008497, OMIM 185070.

Allele frequency attached by ClinVar (database versions not stated): gnomAD exomes 0.00006 and 0.00021; ExAC 0.00022; ESP Exome Variant Server 0.00054; gnomAD 0.00071 and 0.00081; TOPMed 0.00085.
gnomAD v4.1: 204 of 1,614,232 alleles (0.013%); highest among the groups gnomAD compares: African/African-American, 0.23%; 1 homozygote.

Submissions (3):

Labcorp Genetics (formerly Invitae), Labcorp
Classification: Benign for Myopathy with tubular aggregates; Combined immunodeficiency due to STIM1 deficiency; Stormorken syndrome. Last evaluated: 2026-01-26. Review status: criteria provided, single submitter. Criteria: Invitae Variant Classification Sherloc (09022015). Collection method: clinical testing. Allele origin: germline.

Blueprint Genetics
Classification: Likely benign. Last evaluated: 2024-07-19. Review status: criteria provided, single submitter. Criteria: ACMG Guidelines, 2015. Collection method: clinical testing. Allele origin: germline.

PreventionGenetics, part of Exact Sciences
Classification: Likely benign for STIM1-related condition. Last evaluated: 2019-04-25. Review status: no assertion criteria provided. Collection method: clinical testing. Allele origin: germline. Not counted in ClinVar's aggregate classification.
Comment: This variant is classified as likely benign based on ACMG/AMP sequence variant interpretation guidelines (Richards et al. 2015 PMID: 25741868, with internal and published modifications).

NM_001382567.1(STIM1):c.234T>C (p.Asp78=)

Gene: STIM1 (stromal interaction molecule 1; plus strand). Cytogenetic location: 11p15.4.
Variant type: single nucleotide variant.
Coding change: c.234T>C on transcript NM_001382567.1 (MANE Select); coding-DNA position 234, T replaced by C.
Protein change: p.Asp78=; no amino-acid change (aspartic acid 78 retained).
Molecular consequence: synonymous variant. On other transcripts: non-coding transcript variant (3), intron variant (4).
Genome position (GRCh38, 1-based): chr11:3,967,646, T>C. VCF-style: chr11-3967646-T-C. GRCh37 (hg19) VCF-style: chr11-3988876-T-C.
Other names: c.234T>C, p.Asp78= (NM_001277961.3, NM_001277962.2, NM_001382568.1 and 3 more transcripts); c.12T>C, p.Asp4= (NM_001382566.1, NM_001382573.1, NM_001382574.1 and 5 more transcripts); c.-219-56227T>C (NM_001382580.1, NM_001382581.1); c.136-56227T>C (NM_001382569.1); c.-98-56227T>C (NM_001382571.1).
Identifiers: ClinVar variation 461731 (VCV000461731.15), dbSNP rs146126071, ClinGen allele CA5830159.